The following is an entry in ClinVar:

ClinVar aggregate classification (germline): Uncertain significance (1 of 4 stars; one submission).

Conditions:
Cardiovascular phenotype. Identifiers: MedGen CN230736.

Allele frequency attached by ClinVar (database versions not stated): ESP Exome Variant Server 0.00008.

Submission:

Ambry Genetics
Classification: Uncertain significance for Cardiovascular phenotype. Last evaluated: 2025-08-12. Review status: criteria provided, single submitter. Criteria: Ambry Variant Classification Scheme 2023. Collection method: clinical testing. Allele origin: germline.
Comment: The p.D999N variant (also known as c.2995G>A), located in coding exon 13 of the MYPN gene, results from a G to A substitution at nucleotide position 2995. The aspartic acid at codon 999 is replaced by asparagine, an amino acid with highly similar properties. This amino acid position is conserved. In addition, this alteration is predicted to be tolerated by in silico analysis. Since supporting evidence is limited at this time, the clinical significance of this alteration remains unclear.

NM_032578.4(MYPN):c.2995G>A (p.Asp999Asn)

Gene: MYPN (myopalladin; plus strand). Cytogenetic location: 10q21.3.
Variant type: single nucleotide variant.
Coding change: c.2995G>A on transcript NM_032578.4 (MANE Select); coding-DNA position 2995, G replaced by A.
Protein change: p.Asp999Asn; replaces aspartic acid 999 with asparagine.
Molecular consequence: missense variant. On other transcripts: non-coding transcript variant (2).
Genome position (GRCh38, 1-based): chr10:68,194,432, G>A. VCF-style: chr10-68194432-G-A. GRCh37 (hg19) VCF-style: chr10-69954189-G-A.
Other names: c.2995G>A, p.Asp999Asn (NM_001256267.2); c.2113G>A, p.Asp705Asn (NM_001256268.2); short protein forms D999N, D705N.
Identifiers: ClinVar variation 1798568 (VCV001798568.3), dbSNP rs146715507, ClinGen allele CA208221895.